The following is an entry in ClinVar:

ClinVar aggregate classification (germline): Likely benign (0 of 4 stars; one submission).

Conditions:
SPEN-related disorder. Also called: SPEN-related condition.

Allele frequency attached by ClinVar (database versions not stated): gnomAD exomes 0.00002; ExAC 0.00004; TOPMed 0.00004; gnomAD 0.00005; 1000 Genomes Project 0.00020; 1000 Genomes Project 30x 0.00031.
gnomAD v4.1: 36 of 1,614,056 alleles (0.0022%); highest among the groups gnomAD compares: Middle Eastern, 0.016%; 1 homozygote.

Submission:

PreventionGenetics, part of Exact Sciences
Classification: Likely benign for SPEN-related condition. Last evaluated: 2019-04-01. Review status: no assertion criteria provided. Collection method: clinical testing. Allele origin: germline.
Comment: This variant is classified as likely benign based on ACMG/AMP sequence variant interpretation guidelines (Richards et al. 2015 PMID: 25741868, with internal and published modifications).

NM_015001.3(SPEN):c.8262G>A (p.Thr2754=)

Gene: SPEN (spen family transcriptional repressor; plus strand). Cytogenetic location: 1p36.13.
Variant type: single nucleotide variant.
Coding change: c.8262G>A on transcript NM_015001.3 (MANE Select); coding-DNA position 8262, G replaced by A.
Protein change: p.Thr2754=; no amino-acid change (threonine 2754 retained).
Molecular consequence: synonymous variant.
Genome position (GRCh38, 1-based): chr1:15,934,502, G>A. VCF-style: chr1-15934502-G-A. GRCh37 (hg19) VCF-style: chr1-16260997-G-A.
Identifiers: ClinVar variation 3057733 (VCV003057733.2), dbSNP rs562468469, ClinGen allele CA620250.